The following is an entry in ClinVar:

ClinVar aggregate classification (germline): Likely benign. Review status: criteria provided, multiple submitters, no conflicts (2 of 4 stars). 3 submissions from 3 submitters: Likely benign (3). Last evaluated 2025-07-14.

Conditions:
Hereditary cancer-predisposing syndrome. Also called: Neoplastic Syndromes, Hereditary; Tumor predisposition; Hereditary Cancer Syndrome; Hereditary neoplastic syndrome. Identifiers: Orphanet 140162, MedGen C0027672, MeSH D009386, MONDO:0015356.
Hereditary nonpolyposis colorectal neoplasms. Identifiers: MedGen C0009405, MeSH D003123.
Lynch syndrome 5 (LYNCH5). Also called: Colorectal cancer, hereditary nonpolyposis, type 5; Hereditary non-polyposis colorectal cancer, type 5. Identifiers: Orphanet 144, MedGen C1833477, MONDO:0013710, OMIM 614350. Disease mechanism: loss of function.

Submissions (3):

Labcorp Genetics (formerly Invitae), Labcorp
Classification: Likely benign for Hereditary nonpolyposis colorectal neoplasms. Last evaluated: 2025-07-14. Review status: criteria provided, single submitter. Criteria: Invitae Variant Classification Sherloc (09022015). Collection method: clinical testing. Allele origin: germline.

Myriad Genetics, Inc.
Classification: Likely benign for Lynch syndrome 5. Last evaluated: 2025-01-09. Review status: criteria provided, single submitter. Criteria: Myriad Autosomal Dominant, Autosomal Recessive and X-Linked Classification Criteria (2023). Collection method: clinical testing. Allele origin: unknown.
Comment: This variant is considered likely benign. This variant is intronic and is not expected to impact mRNA splicing.

Color Diagnostics, LLC DBA Color Health
Classification: Likely benign for Hereditary cancer-predisposing syndrome. Last evaluated: 2019-12-09. Review status: criteria provided, single submitter. Criteria: ACMG Guidelines, 2015. Collection method: clinical testing. Allele origin: germline.

NM_000179.3(MSH6):c.4002-9A>G

Gene: MSH6 (mutS homolog 6; plus strand). Cytogenetic location: 2p16.3.
Variant type: single nucleotide variant.
Coding change: c.4002-9A>G on transcript NM_000179.3 (MANE Select); 9 bases into the intron before coding-DNA position 4002, A replaced by G.
Molecular consequence: intron variant.
Genome position (GRCh38, 1-based): chr2:47,806,770, A>G. VCF-style: chr2-47806770-A-G. GRCh37 (hg19) VCF-style: chr2-48033909-A-G.
Other names: c.3096-9A>G (NM_001281493.2, NM_001281494.2); c.3612-9A>G (NM_001281492.2).
Identifiers: ClinVar variation 926478 (VCV000926478.12), dbSNP rs755141440, ClinGen allele CA1139656990.